The following is an entry in ClinVar:

ClinVar aggregate classification (germline): Uncertain significance. Review status: criteria provided, multiple submitters, no conflicts (2 of 4 stars). 4 submissions from 4 submitters: Uncertain significance (3). 1 of the submissions does not count toward it. Last evaluated 2025-12-25.

Conditions:
AP3D1-related disorder. Also called: AP3D1-related condition.

Submissions (4):

Labcorp Genetics (formerly Invitae), Labcorp
Classification: Uncertain significance. Last evaluated: 2025-12-25. Review status: criteria provided, single submitter. Criteria: Invitae Variant Classification Sherloc (09022015). Collection method: clinical testing. Allele origin: germline.
Comment: This variant, c.2663_2668del, results in the deletion of 2 amino acid(s) of the AP3D1 protein (p.Ala888_Pro889del), but otherwise preserves the integrity of the reading frame. The frequency data for this variant in the population databases is considered unreliable, as metrics indicate poor data quality at this position in the gnomAD database. This variant has not been reported in the literature in individuals affected with AP3D1-related conditions. Experimental studies and prediction algorithms are not available or were not evaluated, and the functional significance of this variant is currently unknown. In summary, the available evidence is currently insufficient to determine the role of this variant in disease. Therefore, it has been classified as a Variant of Uncertain Significance.

Mayo Clinic Laboratories, Mayo Clinic
Classification: Uncertain significance. Last evaluated: 2024-09-06. Review status: criteria provided, single submitter. Criteria: ACMG Guidelines, 2015. Collection method: clinical testing. Allele origin: germline. Observed: 2 variant alleles.
Comment: BP3

Breakthrough Genomics
Classification: Uncertain significance. Review status: criteria provided, single submitter. Criteria: ACMG Guidelines, 2015. Collection method: not provided. Allele origin: germline. Inheritance: Autosomal recessive inheritance. Affected: yes.

PreventionGenetics, part of Exact Sciences
Classification: Likely benign for AP3D1-related condition. Last evaluated: 2022-05-23. Review status: no assertion criteria provided. Collection method: clinical testing. Allele origin: germline. Not counted in ClinVar's aggregate classification.
Comment: This variant is classified as likely benign based on ACMG/AMP sequence variant interpretation guidelines (Richards et al. 2015 PMID: 25741868, with internal and published modifications).

NM_001261826.3(AP3D1):c.2645CCCCCG[3] (p.882AP[3])

Gene: AP3D1 (adaptor related protein complex 3 subunit delta 1; minus strand). Cytogenetic location: 19p13.3.
Variant type: Microsatellite.
Coding change: c.2645CCCCCG[3] on transcript NM_001261826.3 (MANE Select); three copies in a row of the 6-base unit CCCCCG starting at c.2645; the reference has four copies in a row; one copy, 6 bases deleted; also written c.2663_2668del.
Protein change: p.882AP[3].
Molecular consequence: inframe deletion. On other transcripts: intron variant (1).
Genome position (GRCh38, 1-based): chr19:2,113,347-2,113,352, CGGGGG deleted on the plus strand (CCCCCG on the coding strand, the reverse complement: AP3D1 is on the minus strand); deleting any 6 consecutive bases within chr19:2,113,347-2,113,371 gives the same sequence; the position shown is the placement nearest the transcript's 3' end. VCF-style (leftmost placement, unchanged base first): chr19-2113346-ACGGGGG-A. GRCh37 (hg19) VCF-style: chr19-2113345-ACGGGGG-A.
Other names: p.Ala888_Pro889del; c.2663_2668del (NM_001261826.3); c.2645CCCCCG[3], p.882AP[3] (NM_001374799.1); c.2601+755CCCCCG[3] (NM_003938.8).
Identifiers: ClinVar variation 1368938 (VCV001368938.10), dbSNP rs750853882, ClinGen allele CA9058779.